The following is an entry in ClinVar:

NM_003482.4(KMT2D):c.15683_15688del (p.Tyr5228_Arg5229del)

Gene: KMT2D (lysine methyltransferase 2D; minus strand). Cytogenetic location: 12q13.12.
Variant type: Deletion.
Coding change: c.15683_15688del on transcript NM_003482.4 (MANE Select); coding-DNA positions 15683 to 15688, 6 bases deleted (ATCGCT; older notation c.15683_15688delATCGCT).
Protein change: p.Tyr5228_Arg5229del.
Molecular consequence: inframe deletion.
Genome position (GRCh38, 1-based): chr12:49,026,278-49,026,283, AGCGAT deleted on the plus strand (ATCGCT on the coding strand, the reverse complement: KMT2D is on the minus strand); deleting any 6 consecutive bases within chr12:49,026,278-49,026,286 gives the same sequence; the c. name uses the placement nearest the transcript's 3' end. VCF-style (leftmost placement, unchanged base first): chr12-49026277-CAGCGAT-C. GRCh37 (hg19) VCF-style: chr12-49420060-CAGCGAT-C.
Identifiers: ClinVar variation 2093981 (VCV002093981.4), dbSNP rs2499035112, ClinGen allele CA2580085698.

ClinVar aggregate classification (germline): Uncertain significance (1 of 4 stars; one submission).

Conditions:
Kabuki syndrome. Also called: Kabuki make-up syndrome; NIIKAWA-KUROKI SYNDROME. Identifiers: Orphanet 2322, MedGen C0796004, MONDO:0016512.

Submission:

Labcorp Genetics (formerly Invitae), Labcorp
Classification: Uncertain significance for Kabuki syndrome. Last evaluated: 2022-02-06. Review status: criteria provided, single submitter. Criteria: Invitae Variant Classification Sherloc (09022015). Collection method: clinical testing. Allele origin: germline.
Comment: In summary, the available evidence is currently insufficient to determine the role of this variant in disease. Therefore, it has been classified as a Variant of Uncertain Significance. Experimental studies and prediction algorithms are not available or were not evaluated, and the functional significance of this variant is currently unknown. This variant has not been reported in the literature in individuals affected with KMT2D-related conditions. This variant is not present in population databases (gnomAD no frequency). This variant, c.15683_15688del, results in the deletion of 2 amino acid(s) of the KMT2D protein (p.Tyr5228_Arg5229del), but otherwise preserves the integrity of the reading frame.